The following is an entry in ClinVar:

NM_001429.4(EP300):c.5286G>A (p.Lys1762=)

Gene: EP300 (EP300 lysine acetyltransferase; plus strand). Cytogenetic location: 22q13.2.
Variant type: single nucleotide variant.
Coding change: c.5286G>A on transcript NM_001429.4 (MANE Select); coding-DNA position 5286, G replaced by A.
Protein change: p.Lys1762=; no amino-acid change (lysine 1762 retained).
Molecular consequence: synonymous variant.
Genome position (GRCh38, 1-based): chr22:41,176,997, G>A. VCF-style: chr22-41176997-G-A. GRCh37 (hg19) VCF-style: chr22-41573001-G-A.
Other names: c.5208G>A, p.Lys1736= (NM_001362843.2).
Identifiers: ClinVar variation 4986306 (VCV004986306.1).

ClinVar aggregate classification (germline): Likely benign (1 of 4 stars; one submission).

Conditions:
EP300-related disorder. Also called: EP300-related condition; EP300-related disorders.

gnomAD v4.1: 11 of 1,614,202 alleles (0.00068%); highest among the groups gnomAD compares: Non-Finnish European, 0.00093%; no homozygotes.

Submission:

PreventionGenetics, part of Exact Sciences
Classification: Likely benign for EP300-related condition. Last evaluated: 2026-02-17. Review status: criteria provided, single submitter. Criteria: ACMG Guidelines, 2015. Collection method: clinical testing. Allele origin: germline.
Comment: This variant is classified as likely benign based on ACMG/AMP sequence variant interpretation guidelines (Richards et al. 2015 PMID: 25741868, with internal and published modifications).